The following is an entry in ClinVar:

ClinVar aggregate classification (germline): Likely benign (1 of 4 stars; one submission).

Conditions:
Hereditary cancer-predisposing syndrome. Also called: Hereditary neoplastic syndrome; Tumor predisposition; Hereditary Cancer Syndrome; Neoplastic Syndromes, Hereditary. Identifiers: Orphanet 140162, MedGen C0027672, MeSH D009386, MONDO:0015356.

Submissions (2):

Color Diagnostics, LLC DBA Color Health
Classification: Likely benign for Hereditary cancer-predisposing syndrome. Last evaluated: 2018-02-06. Review status: criteria provided, single submitter. Criteria: ACMG Guidelines, 2015. Collection method: clinical testing. Allele origin: germline.

Brotman Baty Institute, University of Washington
No classification provided (evidence only). Condition: Breast-ovarian cancer, familial 1. Review status: no classification provided. Collection method: in vitro. Allele origin: not applicable. Functional consequence: functionally_normal. Not counted in ClinVar's aggregate classification.
ClinVar note: "not provided" was previously submitted as the classification for the variant. However, the classification appeared to be based only on an observation of functional data so it was converted to no classification on 2025-07-30.

NM_007294.4(BRCA1):c.5529A>G (p.Ala1843=)

Gene: BRCA1 (BRCA1 DNA repair associated; minus strand). Cytogenetic location: 17q21.31.
Variant type: single nucleotide variant.
Coding change: c.5529A>G on transcript NM_007294.4 (MANE Select); coding-DNA position 5529, A replaced by G.
Protein change: p.Ala1843=; no amino-acid change (alanine 1843 retained).
Molecular consequence: synonymous variant. On other transcripts: 3 prime UTR variant (17).
Genome position (GRCh38, 1-based): chr17:43,045,741, T>C on the plus strand (A>G on the coding strand, the complement: BRCA1 is on the minus strand). VCF-style: chr17-43045741-T-C. GRCh37 (hg19) VCF-style: chr17-41197758-T-C.
Other names: c.5316A>G, p.Ala1772= (NM_001407571.1, NM_001407894.1, NM_001407895.1 and 12 more transcripts); c.5595A>G, p.Ala1865= (NM_001407581.1, NM_001407582.1); c.5592A>G, p.Ala1864= (NM_001407583.1, NM_001407585.1, NM_001407587.1 and 1 more transcripts); c.5589A>G, p.Ala1863= (NM_001407590.1, NM_001407591.1); c.5529A>G, p.Ala1843= (NM_001407593.1, NM_001407594.1, NM_001407596.1 and 5 more transcripts); c.5526A>G, p.Ala1842= (NM_001407610.1, NM_001407611.1, NM_001407612.1 and 14 more transcripts); c.5523A>G, p.Ala1841= (NM_001407627.1, NM_001407628.1, NM_001407629.1 and 13 more transcripts); c.5520A>G, p.Ala1840= (NM_001407644.1, NM_001407645.1); and 74 more.
Identifiers: ClinVar variation 631293 (VCV000631293.5), dbSNP rs1160863525, ClinGen allele CA500142894.
Genomic context (GRCh38, chr17:43,045,741, plus strand): 5'-GTAGTGGCTGTGGGGGATCTGGGGTATCAGGTAGGTGTCCAGCTCCTGGCACTGGTAGAG[T>C]GCTACACTGTCCAACACCCACTCTCGGGTCACCACAGGTGCCTCACACATCTGCCCAATT-3'
Protein context (NP_009225.1, residues 1833-1853): VTREWVLDSV[Ala1843=]LYQCQELDTY